The following is an entry in ClinVar:

NM_002693.3(POLG):c.3640C>T (p.Gln1214Ter)

Gene: POLG (DNA polymerase gamma, catalytic subunit; minus strand). Cytogenetic location: 15q26.1.
Variant type: single nucleotide variant.
Coding change: c.3640C>T on transcript NM_002693.3 (MANE Select); coding-DNA position 3640, C replaced by T.
Protein change: p.Gln1214Ter; replaces glutamine 1214 with a stop codon.
Molecular consequence: nonsense.
Genome position (GRCh38, 1-based): chr15:89,317,379, G>A on the plus strand (C>T on the coding strand, the complement: POLG is on the minus strand). VCF-style: chr15-89317379-G-A. GRCh37 (hg19) VCF-style: chr15-89860610-G-A.
Other names: p.Gln1214*; c.3640C>T, p.Gln1214Ter (NM_001126131.2); short protein forms Q1214*.
Identifiers: ClinVar variation 488798 (VCV000488798.24), dbSNP rs781256643, ClinGen allele CA7724076.

ClinVar aggregate classification (germline): Conflicting classifications of pathogenicity. Review status: criteria provided, conflicting classifications (1 of 4 stars). 6 submissions from 6 submitters: Pathogenic (1); Likely pathogenic (1); Uncertain significance (4). Last evaluated 2025-02-19.

Conditions:
Progressive sclerosing poliodystrophy (MTDPS4A). Also called: Alpers Syndrome; ALPERS DIFFUSE DEGENERATION OF CEREBRAL GRAY MATTER WITH HEPATIC CIRRHOSIS; Alpers-Huttenlocher Syndrome; ALPERS PROGRESSIVE INFANTILE POLIODYSTROPHY; NEURONAL DEGENERATION OF CHILDHOOD WITH LIVER DISEASE, PROGRESSIVE; Mitochondrial DNA depletion syndrome 4A (Alpers type). Identifiers: Orphanet 726, MedGen C0205710, MONDO:0008758, OMIM 203700.

Allele frequency attached by ClinVar (database versions not stated): gnomAD 0.00001; TOPMed 0.00001.
gnomAD v4.1: 11 of 1,613,654 alleles (0.00068%); highest among the groups gnomAD compares: Non-Finnish European, 0.00093%; no homozygotes.

Submissions (6):

Labcorp Genetics (formerly Invitae), Labcorp
Classification: Uncertain significance for Progressive sclerosing poliodystrophy. Last evaluated: 2025-02-19. Review status: criteria provided, single submitter. Criteria: Invitae Variant Classification Sherloc (09022015). Collection method: clinical testing. Allele origin: germline.
Comment: This sequence change creates a premature translational stop signal (p.Gln1214*) in the POLG gene. While this is not anticipated to result in nonsense mediated decay, it is expected to disrupt the last 26 amino acid(s) of the POLG protein. This variant is present in population databases (rs781256643, gnomAD 0.002%). This premature translational stop signal has been observed in individual(s) with autosomal recessive progressive external ophthalmoplegia (PMID: 21880868). ClinVar contains an entry for this variant (Variation ID: 488798). Experimental studies and prediction algorithms are not available or were not evaluated, and the functional significance of this variant is currently unknown. In summary, the available evidence is currently insufficient to determine the role of this variant in disease. Therefore, it has been classified as a Variant of Uncertain Significance.

Mayo Clinic Laboratories, Mayo Clinic
Classification: Uncertain significance. Last evaluated: 2024-04-11. Review status: criteria provided, single submitter. Criteria: ACMG Guidelines, 2015. Collection method: clinical testing. Allele origin: germline. Observed: 1 variant allele.
Comment: PM2_moderate, PVS1_moderate

Baylor Genetics
Classification: Likely pathogenic for Progressive sclerosing poliodystrophy. Last evaluated: 2024-01-09. Review status: criteria provided, single submitter. Criteria: ACMG Guidelines, 2015. Collection method: clinical testing. Allele origin: unknown.

GeneDx
Classification: Uncertain significance. Last evaluated: 2023-08-22. Review status: criteria provided, single submitter. Criteria: GeneDx Variant Classification Process June 2021. Collection method: clinical testing. Allele origin: germline. Affected: yes.
Comment: Reported previously in an individual with dementia, muscle weakness, easy fatigability, ophthalmoparesis, myopathy, mitochondrial changes, abnormal muscle histology, and abnormal electromyogram/nerve conduction velocity; this individual was also heterozygous for another variant in POLG, although the phase of these variants was not reported (Tang et al., 2011).; Nonsense variant predicted to result in protein truncation as the last 26 amino acids are lost, although loss-of-function variants have not been reported downstream of this position in the protein; Not observed at significant frequency in large population cohorts (gnomAD); This variant is associated with the following publications: (PMID: 32347949, 34426522, 21880868)

Revvity Omics, Revvity
Classification: Uncertain significance. Last evaluated: 2022-11-30. Review status: criteria provided, single submitter. Criteria: ACMG Guidelines, 2015. Collection method: clinical testing. Allele origin: germline.

Wong Mito Lab, Molecular and Human Genetics, Baylor College of Medicine
Classification: Pathogenic for Progressive sclerosing poliodystrophy. Last evaluated: 2018-10-01. Review status: criteria provided, single submitter. Criteria: ACMG Guidelines, 2015. Collection method: clinical testing. Allele origin: germline.
Comment: The NM_002693.2:c.3640C>T (NP_002684.1:p.Gln1214Ter) [GRCH38: NC_000015.10:g.89317379G>A] variant in POLG gene is interpretated to be a Pathogenic based on ACMG guidelines (PMID: 25741868). This variant meets the following evidence codes reported in the ACMG-guideline. PVS1:This variant is a predicted null variant in POLG where loss of function is a known mechanism of disease. PM2:This variant is absent in key population databases. PM3:Detected in trans with a pathogenic variant for Mitochondrial DNA depletion syndrome 4A (Alpers type) which is a recessive disorder. PM4:This variant causes alteration in the length of expressed protein. PP1:This variant is co-segregated with Mitochondrial DNA depletion syndrome 4A (Alpers type) in multiple affected family members. PP4:Patient's phenotype or family history is highly specific for POLG. Based on the evidence criteria codes applied, the variant is suggested to be Pathogenic.

Literature cited by the submitters: PubMed 21880868 (cited by Labcorp Genetics (formerly Invitae), Labcorp and Mayo Clinic Laboratories, Mayo Clinic); PubMed 32347949 (cited by Mayo Clinic Laboratories, Mayo Clinic).